The following is an entry in ClinVar:

NM_000458.4(HNF1B):c.472_473insTGCAGCCC (p.Thr158fs)

Gene: HNF1B (HNF1 homeobox B; minus strand). Cytogenetic location: 17q12.
Variant type: Insertion.
Coding change: c.472_473insTGCAGCCC on transcript NM_000458.4 (MANE Select); coding-DNA positions 472 to 473, TGCAGCCC inserted.
Protein change: p.Thr158fs; shifts the reading frame from threonine 158.
Molecular consequence: frameshift variant.
Genome position: GRCh38 VCF-style: chr17-37739511-G-GGGGCTGCA. GRCh37 (hg19) VCF-style: chr17-36099502-G-GGGGCTGCA.
Other names: c.472_473insTGCAGCCC, p.Thr158fs (NM_001165923.4, NM_001304286.2); short protein forms T158fs.
Identifiers: ClinVar variation 635692 (VCV000635692.1), dbSNP rs2511828963, ClinGen allele CA913190794.
Genomic context (GRCh38, chr17:37,739,511, plus strand): 5'-TCTCGTTGCTTTCTGACGTACCAGGTGTACAGAGCGGCACGCTTCTGGGTCTTCATAGGG[G>GGGGCTGCA]TGCCCTTGTTGAGATGCTGGGAGAGGTGCGACTGGTTCAGGCCGGTGACATCGACCACCT-3'

ClinVar aggregate classification (germline): Pathogenic (1 of 4 stars; one submission).

Conditions:
Renal cysts and diabetes syndrome (RCAD). Also called: Familial hypoplastic, glomerulocystic kidney; MATURITY-ONSET DIABETES OF THE YOUNG, TYPE 5. Identifiers: Orphanet 93111, MedGen C0431693, MONDO:0007669, OMIM 137920.

Submission:

Institute of Human Genetics, FAU Erlangen, Friedrich-Alexander-Universität Erlangen-Nürnberg
Classification: Pathogenic for Renal cysts and diabetes syndrome. Last evaluated: 2019-07-06. Review status: criteria provided, single submitter. Criteria: ACMG Guidelines, 2015. Collection method: literature only. Allele origin: germline. Affected: yes.
Comment: This variant and it's classification has been reported by Vasileiou et al. 2019; DOI:10.1101/576918. The variants has previously been reported in PMID:27297286 as "P472fsinsTGCAGCCC, p.Thr158Metfs*6 Exon 7 frameshift" with clinical significance Pathogenic. It has been re-classified using InterVar and manual curation as Pathogenic based on PVS1 PM2 PP3.

Literature cited by the submitters: PubMed 27297286; DOI 10.1101/576918.